The following is an entry in ClinVar:

NM_147127.5(EVC2):c.1145+34_1145+35del

Gene: EVC2 (EvC ciliary complex subunit 2; minus strand). Cytogenetic location: 4p16.2.
Variant type: Deletion.
Coding change: c.1145+34_1145+35del on transcript NM_147127.5 (MANE Select); bases 34 to 35 of the intron after coding-DNA position 1145, 2 bases deleted (AT; older notation c.1145+34_1145+35delAT).
Molecular consequence: intron variant.
Genome position (GRCh38, 1-based): chr4:5,663,072-5,663,073, AT deleted on the plus strand (AT on the coding strand, the reverse complement: EVC2 is on the minus strand). VCF-style (leftmost placement, unchanged base first): chr4-5663071-CAT-C. GRCh37 (hg19) VCF-style: chr4-5664798-CAT-C.
Other names: c.905+34_905+35del (NM_001166136.2).
Identifiers: ClinVar variation 675198 (VCV000675198.1), dbSNP rs147183830, ClinGen allele CA2835142.

ClinVar aggregate classification (germline): Benign (1 of 4 stars; one submission).

Allele frequency attached by ClinVar (database versions not stated): 1000 Genomes Project 30x 0.00906; 1000 Genomes Project 0.00978; TOPMed 0.01043; ESP Exome Variant Server 0.01278; gnomAD 0.01862 and 0.01929; gnomAD exomes 0.01876 and 0.02096; ExAC 0.02057.

Submission:

GeneDx
Classification: Benign. Last evaluated: 2018-06-14. Review status: criteria provided, single submitter. Criteria: GeneDx Variant Classification (06012015). Collection method: clinical testing. Allele origin: germline. Affected: yes.
Comment: This variant is considered likely benign or benign based on one or more of the following criteria: it is a conservative change, it occurs at a poorly conserved position in the protein, it is predicted to be benign by multiple in silico algorithms, and/or has population frequency not consistent with disease.